The following is an entry in ClinVar:

NM_199420.4(POLQ):c.5594C>T (p.Ser1865Phe)

Gene: POLQ (DNA polymerase theta; minus strand). Cytogenetic location: 3q13.33.
Variant type: single nucleotide variant.
Coding change: c.5594C>T on transcript NM_199420.4 (MANE Select); coding-DNA position 5594, C replaced by T.
Protein change: p.Ser1865Phe; replaces serine 1865 with phenylalanine.
Molecular consequence: missense variant.
Genome position (GRCh38, 1-based): chr3:121,487,337, G>A on the plus strand (C>T on the coding strand, the complement: POLQ is on the minus strand). VCF-style: chr3-121487337-G-A. GRCh37 (hg19) VCF-style: chr3-121206184-G-A.
Other names: short protein forms S1865F.
Identifiers: ClinVar variation 2563891 (VCV002563891.2), dbSNP rs2546784556, ClinGen allele CA354089834.

ClinVar aggregate classification (germline): Uncertain significance (1 of 4 stars; one submission).

Allele frequency attached by ClinVar (database versions not stated): gnomAD exomes below 0.00001.
gnomAD v4.1: 1 of 1,608,400 alleles (0.000062%); highest among the groups gnomAD compares: Non-Finnish European, 0.000085%; no homozygotes.

Submission:

Ambry Genetics
Classification: Uncertain significance. Last evaluated: 2023-06-10. Review status: criteria provided, single submitter. Criteria: Ambry Variant Classification Scheme 2023. Collection method: clinical testing. Allele origin: germline.
Comment: The p.S1865F variant (also known as c.5594C>T), located in coding exon 16 of the POLQ gene, results from a C to T substitution at nucleotide position 5594. The serine at codon 1865 is replaced by phenylalanine, an amino acid with highly dissimilar properties. This amino acid position is conserved. In addition, this alteration is predicted to be tolerated by in silico analysis. Since supporting evidence is limited at this time, the clinical significance of this alteration remains unclear.